The following is an entry in ClinVar:

ClinVar aggregate classification (germline): Uncertain significance (1 of 4 stars; one submission).

Submission:

CeGaT Center for Human Genetics Tuebingen
Classification: Uncertain significance. Last evaluated: 2022-05-01. Review status: criteria provided, single submitter. Criteria: CeGaT Center For Human Genetics Tuebingen Variant Classification Criteria Version 2. Collection method: clinical testing. Allele origin: germline. Affected: yes. Observed: 1 variant allele.
Comment: CACNA1E: PM2, PP2

NM_001205293.3(CACNA1E):c.6541A>T (p.Ser2181Cys)

Gene: CACNA1E (calcium voltage-gated channel subunit alpha1 E; plus strand). Cytogenetic location: 1q25.3.
Variant type: single nucleotide variant.
Coding change: c.6541A>T on transcript NM_001205293.3 (MANE Select); coding-DNA position 6541, A replaced by T.
Protein change: p.Ser2181Cys; replaces serine 2181 with cysteine.
Molecular consequence: missense variant.
Genome position (GRCh38, 1-based): chr1:181,798,433, A>T. VCF-style: chr1-181798433-A-T. GRCh37 (hg19) VCF-style: chr1-181767569-A-T.
Other names: c.6412A>T, p.Ser2138Cys (NM_000721.4); c.6355A>T, p.Ser2119Cys (NM_001205294.2); short protein forms S2119C, S2138C, S2181C.
Identifiers: ClinVar variation 1694538 (VCV001694538.31), dbSNP rs2102910879, ClinGen allele CA343844999.